The following is an entry in ClinVar:

NM_025137.4(SPG11):c.6477+5G>A

Gene: SPG11 (SPG11 vesicle trafficking associated, spatacsin; minus strand). Cytogenetic location: 15q21.1.
Variant type: single nucleotide variant.
Coding change: c.6477+5G>A on transcript NM_025137.4 (MANE Select); 5 bases into the intron after coding-DNA position 6477, G replaced by A.
Molecular consequence: intron variant.
Genome position (GRCh38, 1-based): chr15:44,570,520, C>T on the plus strand (G>A on the coding strand, the complement: SPG11 is on the minus strand). VCF-style: chr15-44570520-C-T. GRCh37 (hg19) VCF-style: chr15-44862718-C-T.
Other names: c.6138+5G>A (NM_001160227.2).
Identifiers: ClinVar variation 2102998 (VCV002102998.4), dbSNP rs2140922964, ClinGen allele CA2580089446.

ClinVar aggregate classification (germline): Uncertain significance (1 of 4 stars; one submission).

Conditions:
Hereditary spastic paraplegia 11. Also called: Spastic Paraplegia 11; Spastic paraplegia, mental retardation and thin corpus callosum; Nakamura Osame syndrome; Autosomal recessive hereditary spastic paraplegia, mental impairment, and thin corpus callosum; SPASTIC PARAPLEGIA, AUTOSOMAL RECESSIVE, COMPLICATED, WITH THIN CORPUS CALLOSUM; SPASTIC PARAPLEGIA, AUTOSOMAL RECESSIVE, WITH MENTAL IMPAIRMENT AND THIN CORPUS CALLOSUM. Identifiers: Orphanet 2822, MedGen C1858479, MONDO:0011445, OMIM 604360.

Submission:

Labcorp Genetics (formerly Invitae), Labcorp
Classification: Uncertain significance for Hereditary spastic paraplegia 11. Last evaluated: 2026-01-27. Review status: criteria provided, single submitter. Criteria: Invitae Variant Classification Sherloc (09022015). Collection method: clinical testing. Allele origin: germline.
Comment: This sequence change falls in intron 34 of the SPG11 gene. It does not directly change the encoded amino acid sequence of the SPG11 protein. It affects a nucleotide within the consensus splice site. This variant is not present in population databases (gnomAD no frequency). This variant has not been reported in the literature in individuals affected with SPG11-related conditions. ClinVar contains an entry for this variant (Variation ID: 2102998). Variants that disrupt the consensus splice site are a relatively common cause of aberrant splicing (PMID: 17576681, 9536098). Algorithms developed to predict the effect of sequence changes on RNA splicing suggest that this variant may disrupt the consensus splice site. In summary, the available evidence is currently insufficient to determine the role of this variant in disease. Therefore, it has been classified as a Variant of Uncertain Significance.

Literature cited by the submitters: PubMed 17576681; PubMed 9536098.